The following is an entry in ClinVar:

ClinVar aggregate classification (germline): Uncertain significance (1 of 4 stars; one submission).

Conditions:
EGFR-related lung cancer (EGFR). Identifiers: MedGen CN130014.

Submission:

Labcorp Genetics (formerly Invitae), Labcorp
Classification: Uncertain significance for EGFR-related lung cancer. Last evaluated: 2024-07-30. Review status: criteria provided, single submitter. Criteria: Invitae Variant Classification Sherloc (09022015). Collection method: clinical testing. Allele origin: germline.
Comment: This sequence change replaces cysteine, which is neutral and slightly polar, with arginine, which is basic and polar, at codon 260 of the EGFR protein (p.Cys260Arg). This variant is not present in population databases (gnomAD no frequency). This variant has not been reported in the literature in individuals affected with EGFR-related conditions. Advanced modeling of protein sequence and biophysical properties (such as structural, functional, and spatial information, amino acid conservation, physicochemical variation, residue mobility, and thermodynamic stability) performed at Invitae indicates that this missense variant is expected to disrupt EGFR protein function with a positive predictive value of 80%. In summary, the available evidence is currently insufficient to determine the role of this variant in disease. Therefore, it has been classified as a Variant of Uncertain Significance.

NM_005228.5(EGFR):c.778T>C (p.Cys260Arg)

Gene: EGFR (epidermal growth factor receptor; plus strand). Cytogenetic location: 7p11.2.
Variant type: single nucleotide variant.
Coding change: c.778T>C on transcript NM_005228.5 (MANE Select); coding-DNA position 778, T replaced by C.
Protein change: p.Cys260Arg; replaces cysteine 260 with arginine.
Molecular consequence: missense variant. On other transcripts: intron variant (1).
Genome position (GRCh38, 1-based): chr7:55,154,041, T>C. VCF-style: chr7-55154041-T-C. GRCh37 (hg19) VCF-style: chr7-55221734-T-C.
Other names: c.643T>C, p.Cys215Arg (NM_001346897.2, NM_001346899.2); c.778T>C, p.Cys260Arg (NM_001346898.2, NM_201282.2, NM_201283.2 and 1 more transcripts); c.619T>C, p.Cys207Arg (NM_001346900.2); c.89-1789T>C (NM_001346941.2); short protein forms C215R, C260R, C207R.
Identifiers: ClinVar variation 3660918 (VCV003660918.2).